The following is an entry in ClinVar:

ClinVar aggregate classification (germline): Benign/Likely benign. Review status: criteria provided, multiple submitters, no conflicts (2 of 4 stars). 11 submissions from 10 submitters: Benign (4); Likely benign (7). Last evaluated 2026-05-01.

Conditions:
Ehlers-Danlos syndrome, classic type, 1 (EDSCL1). Also called: Ehlers-Danlos syndrome, type 1; EDS I; Ehlers-Danlos Syndrome, Classic Type, COL5A1-Related; EHLERS-DANLOS SYNDROME, GRAVIS TYPE; EHLERS-DANLOS SYNDROME, SEVERE CLASSIC TYPE. Identifiers: MedGen C0268335, MONDO:0019567, OMIM 130000.
Fibromuscular dysplasia, multifocal. Identifiers: MedGen C5543412, MONDO:0859151, OMIM 619329.
Ehlers-Danlos syndrome, classic type (cEDS). Identifiers: Orphanet 287, MedGen C4225429, MONDO:0007522.
Familial thoracic aortic aneurysm and aortic dissection (TAAD). Also called: Thoracic aortic aneurysms and dissections. Identifiers: Orphanet 91387, MedGen C4707243, MONDO:0019625.

Allele frequency attached by ClinVar (database versions not stated): gnomAD 0.00012 and 0.00013; gnomAD exomes 0.00013; TOPMed 0.00015; ExAC 0.00016; ESP Exome Variant Server 0.00023.
gnomAD v4.1: 236 of 1,611,370 alleles (0.015%); highest among the groups gnomAD compares: Non-Finnish European, 0.017%; no homozygotes.

Submissions (11):

Women's Health and Genetics/Laboratory Corporation of America, LabCorp
Classification: Benign. Last evaluated: 2026-05-01. Review status: criteria provided, single submitter. Criteria: LabCorp Variant Classification Summary - May 2015. Collection method: clinical testing. Allele origin: germline.

Labcorp Genetics (formerly Invitae), Labcorp
Classification: Likely benign for Ehlers-Danlos syndrome, classic type, 1. Last evaluated: 2026-01-25. Review status: criteria provided, single submitter. Criteria: Invitae Variant Classification Sherloc (09022015). Collection method: clinical testing. Allele origin: germline.

Laboratory of Genetics, Children's Clinical University Hospital Latvia
Classification: Likely benign. Last evaluated: 2025-02-16. Review status: criteria provided, single submitter. Criteria: ACMG Guidelines, 2015. Collection method: clinical testing. Allele origin: germline. Affected: yes.

ARUP Laboratories, Molecular Genetics and Genomics, ARUP Laboratories
Classification: Likely benign. Last evaluated: 2024-03-18. Review status: criteria provided, single submitter. Criteria: ARUP Molecular Germline Variant Investigation Process 2024. Collection method: clinical testing. Allele origin: germline.

Blueprint Genetics
Classification: Likely benign. Last evaluated: 2023-02-09. Review status: criteria provided, single submitter. Criteria: ACMG Guidelines, 2015. Collection method: clinical testing. Allele origin: germline.

Genome-Nilou Lab
Classification: Benign for Ehlers-Danlos syndrome, classic type, 1. Last evaluated: 2022-03-15. Review status: criteria provided, single submitter. Criteria: ACMG Guidelines, 2015. Collection method: clinical testing. Allele origin: germline. Affected: no.

Genome-Nilou Lab
Classification: Benign for Fibromuscular dysplasia, multifocal. Last evaluated: 2022-03-15. Review status: criteria provided, single submitter. Criteria: ACMG Guidelines, 2015. Collection method: clinical testing. Allele origin: germline. Affected: no.

Illumina Laboratory Services, Illumina
Classification: Likely benign for Ehlers-Danlos syndrome, classic type, 1. Last evaluated: 2018-01-13. Review status: criteria provided, single submitter. Criteria: ICSL Variant Classification Criteria 13 December 2019. Collection method: clinical testing. Allele origin: germline.
Comment: This variant was observed in the ICSL laboratory as part of a predisposition screen in an ostensibly healthy population. It had not been previously curated by ICSL or reported in the Human Gene Mutation Database (HGMD: prior to June 1st, 2018), and was therefore a candidate for classification through an automated scoring system. Utilizing variant allele frequency, disease prevalence and penetrance estimates, and inheritance mode, an automated score was calculated to assess if this variant is too frequent to cause the disease. Based on the score and internal cut-off values, a variant classified as likely benign is not then subjected to further curation. The score for this variant resulted in a classification of likely benign for this disease.

Ambry Genetics
Classification: Likely benign for Familial thoracic aortic aneurysm and aortic dissection. Last evaluated: 2016-02-06. Review status: criteria provided, single submitter. Criteria: Ambry Variant Classification Scheme 2023. Collection method: clinical testing. Allele origin: germline.

GeneDx
Classification: Benign. Last evaluated: 2015-09-18. Review status: criteria provided, single submitter. Criteria: GeneDx Variant Classification (06012015). Collection method: clinical testing. Allele origin: germline. Affected: yes.
Comment: This variant is considered likely benign or benign based on one or more of the following criteria: it is a conservative change, it occurs at a poorly conserved position in the protein, it is predicted to be benign by multiple in silico algorithms, and/or has population frequency not consistent with disease.

PreventionGenetics, part of Exact Sciences
Classification: Likely benign. Review status: criteria provided, single submitter. Criteria: ACMG Guidelines, 2015. Collection method: clinical testing. Allele origin: germline.

NM_000093.5(COL5A1):c.4968C>T (p.Val1656=)

Genes: COL5A1 (collagen type V alpha 1 chain; plus strand), LOC101448202 (uncharacterized LOC101448202; minus strand). Cytogenetic location: 9q34.3.
Variant type: single nucleotide variant.
Coding change: c.4968C>T on transcript NM_000093.5 (MANE Select); coding-DNA position 4968, C replaced by T.
Protein change: p.Val1656=; no amino-acid change (valine 1656 retained).
Molecular consequence: synonymous variant.
Genome position (GRCh38, 1-based): chr9:134,825,805, C>T. VCF-style: chr9-134825805-C-T. GRCh37 (hg19) VCF-style: chr9-137717651-C-T.
Other names: c.4968C>T, p.Val1656= (NM_001278074.1).
Identifiers: ClinVar variation 255094 (VCV000255094.26), dbSNP rs201871481, ClinGen allele CA5320534.